The following is an entry in ClinVar:

NM_177438.3(DICER1):c.968G>A (p.Gly323Glu)

Gene: DICER1 (dicer 1, ribonuclease III; minus strand). Cytogenetic location: 14q32.13.
Variant type: single nucleotide variant.
Coding change: c.968G>A on transcript NM_177438.3 (MANE Select); coding-DNA position 968, G replaced by A.
Protein change: p.Gly323Glu; replaces glycine 323 with glutamic acid.
Molecular consequence: missense variant.
Genome position (GRCh38, 1-based): chr14:95,124,604, C>T on the plus strand (G>A on the coding strand, the complement: DICER1 is on the minus strand). VCF-style: chr14-95124604-C-T. GRCh37 (hg19) VCF-style: chr14-95590941-C-T.
Other names: c.968G>A, p.Gly323Glu (NM_001195573.1, NM_001271282.3, NM_001291628.2 and 1 more transcripts); short protein forms G323E.
Identifiers: ClinVar variation 571983 (VCV000571983.11), dbSNP rs906299601, ClinGen allele CA390887269.

ClinVar aggregate classification (germline): Uncertain significance. Review status: criteria provided, multiple submitters, no conflicts (2 of 4 stars). 2 submissions from 2 submitters: Uncertain significance (2). Last evaluated 2023-06-30.

Conditions:
DICER1-related tumor predisposition. Also called: DICER1 syndrome; DICER1-related pleuropulmonary blastoma cancer predisposition syndrome. Identifiers: Orphanet 284343, MedGen C3839822, MONDO:0100216.
Hereditary cancer-predisposing syndrome. Also called: Hereditary neoplastic syndrome; Neoplastic Syndromes, Hereditary; Hereditary Cancer Syndrome; Tumor predisposition. Identifiers: Orphanet 140162, MedGen C0027672, MeSH D009386, MONDO:0015356.

Submissions (2):

Ambry Genetics
Classification: Uncertain significance for Hereditary cancer-predisposing syndrome. Last evaluated: 2023-06-30. Review status: criteria provided, single submitter. Criteria: Ambry Variant Classification Scheme 2023. Collection method: clinical testing. Allele origin: germline.
Comment: The p.G323E variant (also known as c.968G>A), located in coding exon 7 of the DICER1 gene, results from a G to A substitution at nucleotide position 968. The glycine at codon 323 is replaced by glutamic acid, an amino acid with similar properties. This amino acid position is conserved. In addition, this alteration is predicted to be deleterious by in silico analysis. Since supporting evidence is limited at this time, the clinical significance of this alteration remains unclear.

Labcorp Genetics (formerly Invitae), Labcorp
Classification: Uncertain significance for DICER1-related tumor predisposition. Last evaluated: 2018-01-21. Review status: criteria provided, single submitter. Criteria: Invitae Variant Classification Sherloc (09022015). Collection method: clinical testing. Allele origin: germline.
Comment: This sequence change replaces glycine with glutamic acid at codon 323 of the DICER1 protein (p.Gly323Glu). The glycine residue is highly conserved and there is a moderate physicochemical difference between glycine and glutamic acid. This variant is not present in population databases (ExAC no frequency). This variant has not been reported in the literature in individuals with DICER1-related disease. Algorithms developed to predict the effect of missense changes on protein structure and function do not agree on the potential impact of this missense change (SIFT: "Tolerated"; PolyPhen-2: "Probably Damaging"; Align-GVGD: "Class C0"). In summary, the available evidence is currently insufficient to determine the role of this variant in disease. Therefore, it has been classified as a Variant of Uncertain Significance.